The following is an entry in ClinVar:

NM_001267550.2(TTN):c.52848del (p.Trp17616fs)

Genes: TTN (titin; minus strand), TTN-AS1 (TTN antisense RNA 1; plus strand), LOC126806425 (BRD4-independent group 4 enhancer GRCh37_chr2:179471933-179473132; plus strand). Cytogenetic location: 2q31.2.
Variant type: Deletion.
Coding change: c.52848del on transcript NM_001267550.2 (MANE Select); coding-DNA position 52848, one base deleted (G; older notation c.52848delG).
Protein change: p.Trp17616fs; shifts the reading frame from tryptophan 17616.
Molecular consequence: frameshift variant.
Genome position (GRCh38, 1-based): chr2:178,607,939, C deleted on the plus strand (G on the coding strand, the reverse complement: TTN is on the minus strand); the first of 2 consecutive C bases (chr2:178,607,939-178,607,940); deleting either gives the same sequence. VCF-style (leftmost placement, unchanged base first): chr2-178607938-AC-A. GRCh37 (hg19) VCF-style: chr2-179472665-AC-A.
Other names: c.47925del, p.Trp15975fs (NM_001256850.1); c.25653del, p.Trp8551fs (NM_003319.4); c.45144del, p.Trp15048fs (NM_133378.4); c.26028del, p.Trp8676fs (NM_133432.3); c.26229del, p.Trp8743fs (NM_133437.4); c.52848delG (NM_001267550.2); short protein forms W15048fs, W15975fs, W17616fs, W8551fs, W8676fs, W8743fs.
Identifiers: ClinVar variation 3068692 (VCV003068692.1), dbSNP rs2470314219, ClinGen allele CA2580611965.

ClinVar aggregate classification (germline): Likely pathogenic (1 of 4 stars; one submission).

Conditions:
Primary dilated cardiomyopathy (DCM). Also called: Dilated Cardiomyopathy. Identifiers: Orphanet 217604, MedGen C0007193, MeSH D002311, MONDO:0005021, HP:0001644. Inheritance: Various modes of inheritance.

Submission:

Molecular Genetics, Royal Melbourne Hospital
Classification: Likely pathogenic for Primary dilated cardiomyopathy. Last evaluated: 2023-07-07. Review status: criteria provided, single submitter. Criteria: ACMG Guidelines, 2015. Collection method: clinical testing. Allele origin: germline. Inheritance: Autosomal dominant inheritance. Affected: yes.
Comment: This sequence change in TTN is a frameshift variant predicted to cause a premature stop codon, p.(Trp17616Cysfs*8), in constitutively expressed exon 276 (percentage splice in, PSI, 100%) in the A-band. High PSI truncating variants in TTN have a significant association with dilated cardiomyopathy (PMID: 31216868). This variant is absent from the population database gnomAD v2.1 and v3.1. To our knowledge, this variant is novel and has not been previously reported in the relevant scientific literature or databases. Based on the classification scheme RMH Modified ACMG/AMP Guidelines v1.6.1, this variant is classified as LIKELY PATHOGENIC. Following criteria are met: PVS1, PM2_Supporting.

Literature cited by the submitters: PubMed 31216868.